The following is an entry in ClinVar:

ClinVar aggregate classification (germline): Uncertain significance (1 of 4 stars; one submission).

Submission:

Women's Health and Genetics/Laboratory Corporation of America, LabCorp
Classification: Uncertain significance. Last evaluated: 2024-04-08. Review status: criteria provided, single submitter. Criteria: LabCorp Variant Classification Summary - May 2015. Collection method: clinical testing. Allele origin: germline.
Comment: Variant summary: NPHS1 c.616C>T (p.Pro206Ser) results in a non-conservative amino acid change located in the CD80-like, immunoglobulin C2-set domain (IPR013162) of the encoded protein sequence. Four of five in-silico tools predict a damaging effect of the variant on protein function. The variant was absent in 251174 control chromosomes. The available data on variant occurrences in the general population are insufficient to allow any conclusion about variant significance. To our knowledge, no occurrence of c.616C>T in individuals affected with Nephrotic Syndrome, Type 1 and no experimental evidence demonstrating its impact on protein function have been reported. No submitters have cited clinical-significance assessments for this variant to ClinVar. Based on the evidence outlined above, the variant was classified as uncertain significance.

NM_004646.4(NPHS1):c.616C>T (p.Pro206Ser)

Gene: NPHS1 (NPHS1 adhesion molecule, nephrin; minus strand). Cytogenetic location: 19q13.12.
Variant type: single nucleotide variant.
Coding change: c.616C>T on transcript NM_004646.4 (MANE Select); coding-DNA position 616, C replaced by T.
Protein change: p.Pro206Ser; replaces proline 206 with serine.
Molecular consequence: missense variant.
Genome position (GRCh38, 1-based): chr19:35,849,646, G>A on the plus strand (C>T on the coding strand, the complement: NPHS1 is on the minus strand). VCF-style: chr19-35849646-G-A. GRCh37 (hg19) VCF-style: chr19-36340548-G-A.
Other names: short protein forms P206S.
Identifiers: ClinVar variation 3251451 (VCV003251451.1), dbSNP rs201822740.